The following is an entry in ClinVar:

ClinVar aggregate classification (germline): Uncertain significance (1 of 4 stars; one submission).

Conditions:
Hereditary cancer-predisposing syndrome. Also called: Neoplastic Syndromes, Hereditary; Tumor predisposition; Hereditary neoplastic syndrome; Hereditary Cancer Syndrome. Identifiers: Orphanet 140162, MedGen C0027672, MeSH D009386, MONDO:0015356.
Cardiovascular phenotype. Identifiers: MedGen CN230736.

Allele frequency attached by ClinVar (database versions not stated): gnomAD exomes below 0.00001.
gnomAD v4.1: 1 of 1,614,036 alleles (0.000062%); highest among the groups gnomAD compares: Non-Finnish European, 0.000085%; no homozygotes.

Submission:

Ambry Genetics
Classification: Uncertain significance for Cardiovascular phenotype; Hereditary cancer-predisposing syndrome. Last evaluated: 2019-07-03. Review status: criteria provided, single submitter. Criteria: Ambry Variant Classification Scheme 2023. Collection method: clinical testing. Allele origin: germline.
Comment: The p.W1258C variant (also known as c.3774G>C), located in coding exon 28 of the NF1 gene, results from a G to C substitution at nucleotide position 3774. The tryptophan at codon 1258 is replaced by cysteine, an amino acid with highly dissimilar properties. A different alteration at the same amino acid position (p.W1258R) has been detected in multiple individuals with a clinical diagnosis or symptoms of neurofibromatosis type 1 (van Minkelen R et al. Clin. Genet., 2014 Apr;85:318-27). This amino acid position is highly conserved in available vertebrate species. In addition, this alteration is predicted to be deleterious by in silico analysis. Since supporting evidence is limited at this time, the clinical significance of this alteration remains unclear.

NM_001042492.3(NF1):c.3774G>C (p.Trp1258Cys)

Gene: NF1 (neurofibromin 1; plus strand). Cytogenetic location: 17q11.2.
Variant type: single nucleotide variant.
Coding change: c.3774G>C on transcript NM_001042492.3 (MANE Select); coding-DNA position 3774, G replaced by C.
Protein change: p.Trp1258Cys; replaces tryptophan 1258 with cysteine.
Molecular consequence: missense variant.
Genome position (GRCh38, 1-based): chr17:31,235,676, G>C. VCF-style: chr17-31235676-G-C. GRCh37 (hg19) VCF-style: chr17-29562694-G-C.
Other names: c.3774G>C, p.Trp1258Cys (NM_000267.4); short protein forms W1258C.
Identifiers: ClinVar variation 824192 (VCV000824192.4), dbSNP rs1597722516, ClinGen allele CA398992551.